The following is an entry in ClinVar:

ClinVar aggregate classification (germline): Likely benign (1 of 4 stars; one submission).

Conditions:
Leukoencephalopathy-thalamus and brainstem anomalies-high lactate syndrome. Also called: LEUKOENCEPHALOPATHY WITH THALAMUS AND BRAINSTEM INVOLVEMENT AND HIGH LACTATE; Combined oxidative phosphorylation deficiency 12. Identifiers: Orphanet 314051, MedGen C4706421, MONDO:0013971, OMIM 614924.

Allele frequency attached by ClinVar (database versions not stated): gnomAD 0.00001 and 0.00030; TOPMed 0.00002; gnomAD exomes 0.00052; 1000 Genomes Project 30x 0.00172; 1000 Genomes Project 0.00220.
gnomAD v4.1: 52 of 164,298 alleles (0.032%); highest among the groups gnomAD compares: South Asian, 0.78%; 1 homozygote.

Submission:

Illumina Laboratory Services, Illumina
Classification: Likely benign for Leukoencephalopathy-thalamus and brainstem anomalies-high lactate syndrome. Last evaluated: 2018-01-12. Review status: criteria provided, single submitter. Criteria: ICSL Variant Classification Criteria 13 December 2019. Collection method: clinical testing. Allele origin: germline.
Comment: This variant was observed in the ICSL laboratory as part of a predisposition screen in an ostensibly healthy population. It had not been previously curated by ICSL or reported in the Human Gene Mutation Database (HGMD: prior to June 1st, 2018), and was therefore a candidate for classification through an automated scoring system. Utilizing variant allele frequency, disease prevalence and penetrance estimates, and inheritance mode, an automated score was calculated to assess if this variant is too frequent to cause the disease. Based on the score and internal cut-off values, a variant classified as likely benign is not then subjected to further curation. The score for this variant resulted in a classification of likely benign for this disease.

NM_001083614.2(EARS2):c.*2105C>G

Genes: EARS2 (glutamyl-tRNA synthetase 2, mitochondrial; minus strand), GGA2 (golgi associated, gamma adaptin ear containing, ARF binding protein 2; minus strand). Cytogenetic location: 16p12.2.
Variant type: single nucleotide variant.
Coding change: c.*2105C>G on transcript NM_001083614.2 (MANE Select); 2105 bases downstream of the stop codon, C replaced by G.
Molecular consequence: 3 prime UTR variant. On other transcripts: non-coding transcript variant (1).
Genome position (GRCh38, 1-based): chr16:23,522,266, G>C on the plus strand (C>G on the coding strand, the complement: EARS2 is on the minus strand). VCF-style: chr16-23522266-G-C. GRCh37 (hg19) VCF-style: chr16-23533587-G-C.
Identifiers: ClinVar variation 318511 (VCV000318511.5), dbSNP rs550393372, ClinGen allele CA10647205.